The following is an entry in ClinVar:

NM_004456.5(EZH2):c.1054C>G (p.Pro352Ala)

Gene: EZH2 (enhancer of zeste 2 polycomb repressive complex 2 subunit; minus strand). Cytogenetic location: 7q36.1.
Variant type: single nucleotide variant.
Coding change: c.1054C>G on transcript NM_004456.5 (MANE Select); coding-DNA position 1054, C replaced by G.
Protein change: p.Pro352Ala; replaces proline 352 with alanine.
Molecular consequence: missense variant.
Genome position (GRCh38, 1-based): chr7:148,818,063, G>C on the plus strand (C>G on the coding strand, the complement: EZH2 is on the minus strand). VCF-style: chr7-148818063-G-C. GRCh37 (hg19) VCF-style: chr7-148515155-G-C.
Other names: c.1039C>G, p.Pro347Ala (NM_001203247.2); c.1012C>G, p.Pro338Ala (NM_001203248.2, NM_001203249.2); c.922C>G, p.Pro308Ala (NM_152998.3); short protein forms P347A, P352A, P308A, P338A.
Identifiers: ClinVar variation 2902949 (VCV002902949.3), dbSNP rs1805061488, ClinGen allele CA369716913.
Genomic context (GRCh38, chr7:148,818,063, plus strand): 5'-TGCTGGGCCTGCTACTGTTATTGGGAAGCCGTCCTCTTCTGCGGCCTCCTGGACGTTTTG[G>C]TGGGGTCTTTATCCGCTCAGCGGTGAGAGCAGCAGCAAACTCCTTTGCTCCCTCCTACGA-3'
Protein context (NP_004447.2, residues 342-362): ALTAERIKTP[Pro352Ala]KRPGGRRRGR

ClinVar aggregate classification (germline): Uncertain significance (1 of 4 stars; one submission).

Conditions:
Weaver syndrome (WVS). Also called: Weaver Smith syndrome; Overgrowth syndrome with accelerated skeletal maturation, unusual facies, and camptodactyly. Identifiers: Orphanet 3447, MedGen C0265210, MONDO:0010193, OMIM 277590.

Submission:

Labcorp Genetics (formerly Invitae), Labcorp
Classification: Uncertain significance for Weaver syndrome. Last evaluated: 2023-03-22. Review status: criteria provided, single submitter. Criteria: Invitae Variant Classification Sherloc (09022015). Collection method: clinical testing. Allele origin: germline.
Comment: This sequence change replaces proline, which is neutral and non-polar, with alanine, which is neutral and non-polar, at codon 352 of the EZH2 protein (p.Pro352Ala). This variant is not present in population databases (gnomAD no frequency). This variant has not been reported in the literature in individuals affected with EZH2-related conditions. Advanced modeling of protein sequence and biophysical properties (such as structural, functional, and spatial information, amino acid conservation, physicochemical variation, residue mobility, and thermodynamic stability) performed at Invitae indicates that this missense variant is not expected to disrupt EZH2 protein function. In summary, the available evidence is currently insufficient to determine the role of this variant in disease. Therefore, it has been classified as a Variant of Uncertain Significance.